The following is an entry in ClinVar:

ClinVar aggregate classification (germline): Uncertain significance (1 of 4 stars; one submission).

Conditions:
Short-rib thoracic dysplasia 13 with or without polydactyly (SRTD13). Identifiers: Orphanet 474, MedGen C4225378, MONDO:0014577, OMIM 616300.

Submission:

Labcorp Genetics (formerly Invitae), Labcorp
Classification: Uncertain significance for Short-rib thoracic dysplasia 13 with or without polydactyly. Last evaluated: 2025-01-06. Review status: criteria provided, single submitter. Criteria: Invitae Variant Classification Sherloc (09022015). Collection method: clinical testing. Allele origin: germline.
Comment: This variant, c.1480_1482del, results in the deletion of 1 amino acid(s) of the CEP120 protein (p.Pro494del), but otherwise preserves the integrity of the reading frame. This variant is not present in population databases (gnomAD no frequency). This variant has not been reported in the literature in individuals affected with CEP120-related conditions. Experimental studies and prediction algorithms are not available or were not evaluated, and the functional significance of this variant is currently unknown. In summary, the available evidence is currently insufficient to determine the role of this variant in disease. Therefore, it has been classified as a Variant of Uncertain Significance.

NM_001375405.1(CEP120):c.1477CCT[1] (p.Pro494del)

Gene: CEP120 (centrosomal protein 120; minus strand). Cytogenetic location: 5q23.2.
Variant type: Microsatellite.
Coding change: c.1477CCT[1] on transcript NM_001375405.1 (MANE Select); one copy of the 3-base unit CCT starting at c.1477; the reference has two copies in a row; one copy, 3 bases deleted.
Protein change: p.Pro494del; deletes proline 494.
Molecular consequence: inframe deletion. On other transcripts: non-coding transcript variant (1).
Genome position (GRCh38, 1-based): chr5:123,386,616-123,386,618, AGG deleted on the plus strand (CCT on the coding strand, the reverse complement: CEP120 is on the minus strand); deleting any 3 consecutive bases within chr5:123,386,616-123,386,622 gives the same sequence; the position shown is the placement nearest the transcript's 3' end. VCF-style (leftmost placement, unchanged base first): chr5-123386615-CAGG-C. GRCh37 (hg19) VCF-style: chr5-122722309-CAGG-C.
Other names: c.1399CCT[1], p.Pro468del (NM_001166226.2); c.1342CCT[1], p.Pro449del (NM_001375406.1); c.1477CCT[1], p.Pro494del (NM_001375407.1, NM_153223.4); c.904CCT[1], p.Pro303del (NM_001375408.1, NM_001375409.1); short protein forms P303del, P468del, P449del, P494del.
Identifiers: ClinVar variation 2020698 (VCV002020698.4), dbSNP rs1772034515, ClinGen allele CA1081012504.